The following is an entry in ClinVar:

ClinVar aggregate classification (germline): Uncertain significance (1 of 4 stars; one submission).

Conditions:
Developmental and epileptic encephalopathy 94 (DEE94). Also called: Epileptic encephalopathy, childhood-onset; CHD2-Related Neurodevelopmental Disorders. Identifiers: Orphanet 1942, Orphanet 2382, MedGen C3809278, MONDO:0014150, OMIM 615369.

Submission:

Labcorp Genetics (formerly Invitae), Labcorp
Classification: Uncertain significance for Developmental and epileptic encephalopathy 94. Last evaluated: 2018-08-30. Review status: criteria provided, single submitter. Criteria: Invitae Variant Classification Sherloc (09022015). Collection method: clinical testing. Allele origin: germline.
Comment: This variant is not present in population databases (ExAC no frequency) and has not been reported in the literature in individuals with a CHD2-related disease. This sequence change replaces proline with leucine at codon 557 of the CHD2 protein (p.Pro557Leu). The proline residue is highly conserved and there is a moderate physicochemical difference between proline and leucine. Algorithms developed to predict the effect of missense changes on protein structure and function (SIFT, PolyPhen-2, Align-GVGD) all suggest that this variant is likely to be disruptive, but these predictions have not been confirmed by published functional studies. In summary, this variant is a novel missense change with uncertain impact on protein function. It has been classified as a Variant of Uncertain Significance.

NM_001271.4(CHD2):c.1670C>T (p.Pro557Leu)

Gene: CHD2 (chromodomain helicase DNA binding protein 2; plus strand). Cytogenetic location: 15q26.1.
Variant type: single nucleotide variant.
Coding change: c.1670C>T on transcript NM_001271.4 (MANE Select); coding-DNA position 1670, C replaced by T.
Protein change: p.Pro557Leu; replaces proline 557 with leucine.
Molecular consequence: missense variant.
Genome position (GRCh38, 1-based): chr15:92,953,524, C>T. VCF-style: chr15-92953524-C-T. GRCh37 (hg19) VCF-style: chr15-93496754-C-T.
Other names: short protein forms P557L.
Identifiers: ClinVar variation 411855 (VCV000411855.10), dbSNP rs1060503520, ClinGen allele CA16614988.